The following is an entry in ClinVar:

ClinVar aggregate classification (germline): Uncertain significance (1 of 4 stars; one submission).

Allele frequency attached by ClinVar (database versions not stated): gnomAD exomes 0.00003; ExAC 0.00013; 1000 Genomes Project 30x 0.00016; 1000 Genomes Project 0.00020; gnomAD 0.00032; TOPMed 0.00040; ESP Exome Variant Server 0.00041.
gnomAD v4.1: 86 of 1,607,120 alleles (0.0054%); highest among the groups gnomAD compares: African/African-American, 0.11%; no homozygotes.

Submission:

Greenwood Genetic Center Diagnostic Laboratories, Greenwood Genetic Center
Classification: Uncertain significance. Last evaluated: 2022-06-30. Review status: criteria provided, single submitter. Criteria: ACMG Guidelines, 2015. Collection method: clinical testing. Allele origin: germline. Affected: yes.
Comment: No Applicable ACMG Criteria

NM_001271938.2(MEGF8):c.828+23G>A

Gene: MEGF8 (multiple EGF like domains 8; plus strand). Cytogenetic location: 19q13.2.
Variant type: single nucleotide variant.
Coding change: c.828+23G>A on transcript NM_001271938.2 (MANE Select); 23 bases into the intron after coding-DNA position 828, G replaced by A.
Molecular consequence: intron variant.
Genome position (GRCh38, 1-based): chr19:42,335,408, G>A. VCF-style: chr19-42335408-G-A. GRCh37 (hg19) VCF-style: chr19-42839560-G-A.
Other names: c.828+23G>A (NM_001410.3).
Identifiers: ClinVar variation 1703132 (VCV001703132.3), dbSNP rs369147039, ClinGen allele CA9474289.